The following is an entry in ClinVar:

ClinVar aggregate classification (germline): Likely pathogenic. Review status: criteria provided, multiple submitters, no conflicts (2 of 4 stars). 5 submissions from 5 submitters: Likely pathogenic (4). 1 of the submissions does not count toward it. Last evaluated 2026-08-10.

Conditions:
SLC5A5-related disorder. Also called: SLC5A5-related condition.
Thyroid dyshormonogenesis 1. Also called: HYPOTHYROIDISM, CONGENITAL, DUE TO DYSHORMONOGENESIS, 1; IODINE ACCUMULATION, TRANSPORT, OR TRAPPING DEFECT; THYROID HORMONOGENESIS, GENETIC DEFECT IN, 1; Familial thyroid dyshormonogenesis 1. Identifiers: Orphanet 95716, MedGen C1848805, MONDO:0020716, OMIM 274400.

Allele frequency attached by ClinVar (database versions not stated): gnomAD exomes 0.00003 and 0.00008; gnomAD 0.00003; ExAC 0.00005; TOPMed 0.00003.
gnomAD v4.1: 57 of 1,614,088 alleles (0.0035%); highest among the groups gnomAD compares: Admixed American, 0.018%; no homozygotes.

Submissions (5):

PreventionGenetics, part of Exact Sciences
Classification: Likely pathogenic for SLC5A5-related condition. Last evaluated: 2026-08-10. Review status: criteria provided, single submitter. Criteria: ACMG Guidelines, 2015. Collection method: clinical testing. Allele origin: germline.
Comment: The SLC5A5 c.799C>G variant is predicted to result in the amino acid substitution p.Gln267Glu. This variant was reported in the compound heterozygous state in an individual with iodide transport defects (referred to as Q267E in Pohlenz et al. 1998. PubMed ID: 9486973). Functional studies are supportive for this variant disrupting proper membrane trafficking (Pohlenz et al. 2000. PubMed ID: 10902780). This variant is reported in 0.096% of alleles in individuals of Ashkenazi Jewish descent in gnomAD. This variant is interpreted as likely pathogenic.

Labcorp Genetics (formerly Invitae), Labcorp
Classification: Likely pathogenic. Last evaluated: 2026-01-26. Review status: criteria provided, single submitter. Criteria: Invitae Variant Classification Sherloc (09022015). Collection method: clinical testing. Allele origin: germline.
Comment: This sequence change replaces glutamine, which is neutral and polar, with glutamic acid, which is acidic and polar, at codon 267 of the SLC5A5 protein (p.Gln267Glu). This variant is present in population databases (rs121909176, gnomAD 0.09%). This missense change has been observed in individual(s) with iodide transport defect (PMID: 9486973). In at least one individual the data is consistent with being in trans (on the opposite chromosome) from a pathogenic variant. ClinVar contains an entry for this variant (Variation ID: 7666). Invitae Evidence Modeling of protein sequence and biophysical properties (such as structural, functional, and spatial information, amino acid conservation, physicochemical variation, residue mobility, and thermodynamic stability) indicates that this missense variant is expected to disrupt SLC5A5 protein function with a positive predictive value of 80%. Experimental studies have shown that this missense change affects SLC5A5 function (PMID: 9486973). In summary, the currently available evidence indicates that the variant is pathogenic, but additional data are needed to prove that conclusively. Therefore, this variant has been classified as Likely Pathogenic.

GeneDx
Classification: Likely pathogenic. Last evaluated: 2025-11-24. Review status: criteria provided, single submitter. Criteria: GeneDx Variant Classification Process June 2021. Collection method: clinical testing. Allele origin: germline. Affected: yes.
Comment: Published functional studies demonstrate a damaging effect of Q267E on Na+/I- symport (PMID: 14734652, 10902780); In silico analysis supports that this missense variant has a deleterious effect on protein structure/function; This variant is associated with the following publications: (PMID: 31589614, 9486973, 28192058, 10902780, 14734652, 20153805, 36517601)

Fulgent Genetics
Classification: Likely pathogenic for Thyroid dyshormonogenesis 1. Last evaluated: 2021-09-13. Review status: criteria provided, single submitter. Criteria: ACMG Guidelines, 2015. Collection method: clinical testing. Allele origin: unknown.

OMIM
Classification: Pathogenic for THYROID DYSHORMONOGENESIS 1. Last evaluated: 1998-03-01. Review status: no assertion criteria provided. Collection method: literature only. Allele origin: germline. Not counted in ClinVar's aggregate classification.

Literature cited by the submitters: PubMed 9486973 (cited by Labcorp Genetics (formerly Invitae), Labcorp and OMIM).

NM_000453.3(SLC5A5):c.799C>G (p.Gln267Glu)

Gene: SLC5A5 (solute carrier family 5 member 5; plus strand). Cytogenetic location: 19p13.11.
Variant type: single nucleotide variant.
Coding change: c.799C>G on transcript NM_000453.3 (MANE Select); coding-DNA position 799, C replaced by G.
Protein change: p.Gln267Glu; replaces glutamine 267 with glutamic acid.
Molecular consequence: missense variant.
Genome position (GRCh38, 1-based): chr19:17,877,823, C>G. VCF-style: chr19-17877823-C-G. GRCh37 (hg19) VCF-style: chr19-17988632-C-G.
Other names: short protein forms Q267E.
Identifiers: ClinVar variation 7666 (VCV000007666.12), dbSNP rs121909176, ClinGen allele CA118966.